The following is an entry in ClinVar:

ClinVar aggregate classification (germline): Uncertain significance (1 of 4 stars; one submission).

Allele frequency attached by ClinVar (database versions not stated): TOPMed below 0.00001.
gnomAD v4.1: 2 of 1,614,164 alleles (0.00012%); highest among the groups gnomAD compares: Admixed American, 0.0033%; no homozygotes.

Submission:

Labcorp Genetics (formerly Invitae), Labcorp
Classification: Uncertain significance. Last evaluated: 2022-10-05. Review status: criteria provided, single submitter. Criteria: Invitae Variant Classification Sherloc (09022015). Collection method: clinical testing. Allele origin: germline.
Comment: In summary, the available evidence is currently insufficient to determine the role of this variant in disease. Therefore, it has been classified as a Variant of Uncertain Significance. Algorithms developed to predict the effect of missense changes on protein structure and function are either unavailable or do not agree on the potential impact of this missense change (SIFT: "Tolerated"; PolyPhen-2: "Possibly Damaging"; Align-GVGD: "Class C0"). This sequence change replaces serine, which is neutral and polar, with tyrosine, which is neutral and polar, at codon 858 of the PCARE protein (p.Ser858Tyr). ClinVar contains an entry for this variant (Variation ID: 1495560). This variant has not been reported in the literature in individuals affected with PCARE-related conditions. This variant is not present in population databases (gnomAD no frequency).

NM_001029883.3(PCARE):c.2573C>A (p.Ser858Tyr)

Gene: PCARE (photoreceptor cilium actin regulator; minus strand). Cytogenetic location: 2p23.2.
Variant type: single nucleotide variant.
Coding change: c.2573C>A on transcript NM_001029883.3 (MANE Select); coding-DNA position 2573, C replaced by A.
Protein change: p.Ser858Tyr; replaces serine 858 with tyrosine.
Molecular consequence: missense variant.
Genome position (GRCh38, 1-based): chr2:29,071,689, G>T on the plus strand (C>A on the coding strand, the complement: PCARE is on the minus strand). VCF-style: chr2-29071689-G-T. GRCh37 (hg19) VCF-style: chr2-29294555-G-T.
Other names: short protein forms S858Y.
Identifiers: ClinVar variation 1495560 (VCV001495560.6), dbSNP rs1024370222, ClinGen allele CA44640862.